The following is an entry in ClinVar:

ClinVar aggregate classification (germline): Uncertain significance (1 of 4 stars; one submission).

Conditions:
DOCK2 deficiency. Also called: Immunodeficiency 40. Identifiers: Orphanet 447737, MedGen C4225328, MONDO:0014637, OMIM 616433.

Allele frequency attached by ClinVar (database versions not stated): gnomAD exomes below 0.00001.
gnomAD v4.1: 1 of 1,611,848 alleles (0.000062%); highest among the groups gnomAD compares: Non-Finnish European, 0.000085%; no homozygotes.

Submission:

Labcorp Genetics (formerly Invitae), Labcorp
Classification: Uncertain significance for DOCK2 deficiency. Last evaluated: 2022-08-16. Review status: criteria provided, single submitter. Criteria: Invitae Variant Classification Sherloc (09022015). Collection method: clinical testing. Allele origin: germline.
Comment: Algorithms developed to predict the effect of missense changes on protein structure and function (SIFT, PolyPhen-2, Align-GVGD) all suggest that this variant is likely to be tolerated. In summary, the available evidence is currently insufficient to determine the role of this variant in disease. Therefore, it has been classified as a Variant of Uncertain Significance. This variant has not been reported in the literature in individuals affected with DOCK2-related conditions. This variant is not present in population databases (gnomAD no frequency). This sequence change replaces leucine, which is neutral and non-polar, with valine, which is neutral and non-polar, at codon 605 of the DOCK2 protein (p.Leu605Val).

NM_004946.3(DOCK2):c.1813C>G (p.Leu605Val)

Gene: DOCK2 (dedicator of cytokinesis 2; plus strand). Cytogenetic location: 5q35.1.
Variant type: single nucleotide variant.
Coding change: c.1813C>G on transcript NM_004946.3 (MANE Select); coding-DNA position 1813, C replaced by G.
Protein change: p.Leu605Val; replaces leucine 605 with valine.
Molecular consequence: missense variant. On other transcripts: non-coding transcript variant (1).
Genome position (GRCh38, 1-based): chr5:169,714,181, C>G. VCF-style: chr5-169714181-C-G. GRCh37 (hg19) VCF-style: chr5-169141185-C-G.
Other names: short protein forms L605V.
Identifiers: ClinVar variation 2063092 (VCV002063092.4), dbSNP rs2532625638, ClinGen allele CA362107981.
Genomic context (GRCh38, chr5:169,714,181, plus strand): 5'-AGCTCCAGCAGTGTTGGGGGGCTTTCTGTCAGCTCCCGGGATGTGTTCTCCATTTCCACC[C>G]TGGTGTGCTCCACAAAGCTCACTCAGAATGGTAATCGGGTCATCAAGAGTTGTGTCTGTG-3'
Protein context (NP_004937.1, residues 595-615): SSRDVFSIST[Leu605Val]VCSTKLTQNV